The following is an entry in ClinVar:

NM_015690.5(STK36):c.2676C>T (p.Pro892=)

Gene: STK36 (serine/threonine kinase 36; plus strand). Cytogenetic location: 2q35.
Variant type: single nucleotide variant.
Coding change: c.2676C>T on transcript NM_015690.5 (MANE Select); coding-DNA position 2676, C replaced by T.
Protein change: p.Pro892=; no amino-acid change (proline 892 retained).
Molecular consequence: synonymous variant.
Genome position (GRCh38, 1-based): chr2:218,697,128, C>T. VCF-style: chr2-218697128-C-T. GRCh37 (hg19) VCF-style: chr2-219561851-C-T.
Other names: c.2613C>T, p.Pro871= (NM_001243313.2); c.2676C>T, p.Pro892= (NM_001369423.1).
Identifiers: ClinVar variation 746675 (VCV000746675.6), dbSNP rs150037304, ClinGen allele CA2111229.
Genomic context (GRCh38, chr2:218,697,128, plus strand): 5'-GTCCAGTTCAGAAATGTGGACCGTTTTGTGGCACCGCTTCTCCATGGTCCTGAGGCTCCC[C>T]GAGGAGGCATCTGCACAGGAAGGGGAGCTTTCGCTATCCAGTCCACCAAGCCCTGAGCCA-3'
Protein context (NP_056505.2, residues 882-902): WHRFSMVLRL[Pro892=]EEASAQEGEL

ClinVar aggregate classification (germline): Benign/Likely benign. Review status: criteria provided, multiple submitters, no conflicts (2 of 4 stars). 3 submissions from 3 submitters: Benign (1); Likely benign (1). 1 of the submissions does not count toward it. Last evaluated 2024-11-04.

Conditions:
STK36-related disorder. Also called: STK36-related condition.

Allele frequency attached by ClinVar (database versions not stated): gnomAD exomes 0.00037; ExAC 0.00044; ESP Exome Variant Server 0.00085; gnomAD 0.00123 and 0.00132; TOPMed 0.00135; 1000 Genomes Project 0.00140; 1000 Genomes Project 30x 0.00156.
gnomAD v4.1: 407 of 1,614,114 alleles (0.025%); highest among the groups gnomAD compares: African/African-American, 0.42%; 1 homozygote.

Submissions (3):

Blueprint Genetics
Classification: Likely benign. Last evaluated: 2024-11-04. Review status: criteria provided, single submitter. Criteria: ACMG Guidelines, 2015. Collection method: clinical testing. Allele origin: germline.

Labcorp Genetics (formerly Invitae), Labcorp
Classification: Benign. Last evaluated: 2018-06-19. Review status: criteria provided, single submitter. Criteria: Invitae Variant Classification Sherloc (09022015). Collection method: clinical testing. Allele origin: germline.

PreventionGenetics, part of Exact Sciences
Classification: Likely benign for STK36-related condition. Last evaluated: 2019-08-09. Review status: no assertion criteria provided. Collection method: clinical testing. Allele origin: germline. Not counted in ClinVar's aggregate classification.
Comment: This variant is classified as likely benign based on ACMG/AMP sequence variant interpretation guidelines (Richards et al. 2015 PMID: 25741868, with internal and published modifications).